The following is an entry in ClinVar:

NM_013275.6(ANKRD11):c.2516_2517del (p.Asp839fs)

Gene: ANKRD11 (ankyrin repeat domain 11; minus strand). Cytogenetic location: 16q24.3.
Variant type: Deletion.
Coding change: c.2516_2517del on transcript NM_013275.6 (MANE Select); coding-DNA positions 2516 to 2517, 2 bases deleted (AT; older notation c.2516_2517delAT).
Protein change: p.Asp839fs; shifts the reading frame from aspartic acid 839.
Molecular consequence: frameshift variant.
Genome position (GRCh38, 1-based): chr16:89,284,025-89,284,026, AT deleted on the plus strand (AT on the coding strand, the reverse complement: ANKRD11 is on the minus strand). VCF-style (leftmost placement, unchanged base first): chr16-89284024-GAT-G. GRCh37 (hg19) VCF-style: chr16-89350432-GAT-G.
Other names: c.2516_2517del, p.Asp839fs (NM_001256182.2, NM_001256183.2); short protein forms D839fs.
Identifiers: ClinVar variation 2430246 (VCV002430246.1), dbSNP rs2544240944, ClinGen allele CA2580092303.

ClinVar aggregate classification (germline): Pathogenic (1 of 4 stars; one submission).

Conditions:
KBG syndrome (KBGS). Also called: ANKRD11-Related KBG Syndrome. Identifiers: Orphanet 2332, MedGen C0220687, MONDO:0007846, OMIM 148050.

Submission:

Institute of Human Genetics, University of Leipzig Medical Center
Classification: Pathogenic for KBG syndrome. Last evaluated: 2022-12-22. Review status: criteria provided, single submitter. Criteria: ACMG Guidelines, 2015. Collection method: clinical testing. Allele origin: de novo. Affected: yes.
Comment: This variant was identified as de novo (maternity and paternity confirmed)._x000D_ Criteria applied: PVS1, PS2, PM2_SUP